The following is an entry in ClinVar:

ClinVar aggregate classification (germline): Uncertain significance (1 of 4 stars; one submission).

Conditions:
Atrioventricular septal defect 4 (AVSD4). Identifiers: MedGen C3280781, MONDO:0013747, OMIM 614430.

Submission:

Labcorp Genetics (formerly Invitae), Labcorp
Classification: Uncertain significance for Atrioventricular septal defect 4. Last evaluated: 2022-01-05. Review status: criteria provided, single submitter. Criteria: Invitae Variant Classification Sherloc (09022015). Collection method: clinical testing. Allele origin: germline.
Comment: In summary, the available evidence is currently insufficient to determine the role of this variant in disease. Therefore, it has been classified as a Variant of Uncertain Significance. Algorithms developed to predict the effect of missense changes on protein structure and function are either unavailable or do not agree on the potential impact of this missense change (SIFT: "Tolerated"; PolyPhen-2: "Probably Damaging"; Align-GVGD: "Class C0"). This variant has not been reported in the literature in individuals affected with GATA4-related conditions. This variant is not present in population databases (gnomAD no frequency). This sequence change replaces glutamine, which is neutral and polar, with proline, which is neutral and non-polar, at codon 83 of the GATA4 protein (p.Gln83Pro).

NM_001308093.3(GATA4):c.248A>C (p.Gln83Pro)

Gene: GATA4 (GATA binding protein 4). Cytogenetic location: 8p23.1.
Variant type: single nucleotide variant.
Coding change: c.248A>C on transcript NM_001308093.3 (MANE Select); coding-DNA position 248, A replaced by C.
Protein change: p.Gln83Pro; replaces glutamine 83 with proline.
Molecular consequence: missense variant. On other transcripts: intron variant (3).
Genome position (GRCh38, 1-based): chr8:11,708,560, A>C. VCF-style: chr8-11708560-A-C. GRCh37 (hg19) VCF-style: chr8-11566069-A-C.
Other names: c.248A>C, p.Gln83Pro (NM_002052.5); c.-6+7782A>C (NM_001308094.2); c.-3+546A>C (NM_001374274.1); c.-3+4256A>C (NM_001374273.1); short protein forms Q83P.
Identifiers: ClinVar variation 2418629 (VCV002418629.6), dbSNP rs2486780069, ClinGen allele CA370309231.